The following is an entry in ClinVar:

NM_006005.3(WFS1):c.1338C>G (p.Ser446Arg)

Gene: WFS1 (wolframin ER transmembrane glycoprotein; plus strand). Cytogenetic location: 4p16.1.
Variant type: single nucleotide variant.
Coding change: c.1338C>G on transcript NM_006005.3 (MANE Select); coding-DNA position 1338, C replaced by G.
Protein change: p.Ser446Arg; replaces serine 446 with arginine.
Molecular consequence: missense variant.
Genome position (GRCh38, 1-based): chr4:6,301,133, C>G. VCF-style: chr4-6301133-C-G. GRCh37 (hg19) VCF-style: chr4-6302860-C-G.
Other names: c.1338C>G, p.Ser446Arg (NM_001145853.1); short protein forms S446R.
Identifiers: ClinVar variation 2017909 (VCV002017909.4), dbSNP rs1017852265, ClinGen allele CA356174709.

ClinVar aggregate classification (germline): Uncertain significance (1 of 4 stars; one submission).

Submission:

Labcorp Genetics (formerly Invitae), Labcorp
Classification: Uncertain significance. Last evaluated: 2022-07-17. Review status: criteria provided, single submitter. Criteria: Invitae Variant Classification Sherloc (09022015). Collection method: clinical testing. Allele origin: germline.
Comment: This sequence change replaces serine, which is neutral and polar, with arginine, which is basic and polar, at codon 446 of the WFS1 protein (p.Ser446Arg). In summary, the available evidence is currently insufficient to determine the role of this variant in disease. Therefore, it has been classified as a Variant of Uncertain Significance. Algorithms developed to predict the effect of missense changes on protein structure and function are either unavailable or do not agree on the potential impact of this missense change (SIFT: "Deleterious"; PolyPhen-2: "Probably Damaging"; Align-GVGD: "Class C0"). This missense change has been observed in individual(s) with clinical features of Wolfram-like syndrome (PMID: 28432734). This variant is not present in population databases (gnomAD no frequency).

Literature cited by the submitters: PubMed 28432734.